The following is an entry in ClinVar:

ClinVar aggregate classification (germline): Likely benign (1 of 4 stars; one submission).

Allele frequency attached by ClinVar (database versions not stated): ExAC 0.39130.

Submission:

Laboratory for Molecular Medicine, Mass General Brigham Personalized Medicine
Classification: Likely benign. Last evaluated: 2016-03-28. Review status: criteria provided, single submitter. Criteria: LMM Criteria. Collection method: clinical testing. Allele origin: germline.
Comment: Variant identified in a genome or exome case(s) and assessed due to predicted null impact of the variant or pathogenic assertions in the literature or databases. Disclaimer: This variant has not undergone full assessment. The following are preliminary notes: ExAC data poor quality. Silent variant no splice impact

NM_001099402.2(CCNK):c.1524A>C (p.Pro508=)

Genes: CCDC85C (coiled-coil domain containing 85C; minus strand), CCNK (cyclin K; plus strand). Cytogenetic location: 14q32.2.
Variant type: single nucleotide variant.
Coding change: c.1524A>C on transcript NM_001099402.2 (MANE Select); coding-DNA position 1524, A replaced by C.
Protein change: p.Pro508=; no amino-acid change (proline 508 retained).
Molecular consequence: synonymous variant. On other transcripts: 3 prime UTR variant (1).
Genome position (GRCh38, 1-based): chr14:99,510,563, A>C. VCF-style: chr14-99510563-A-C. GRCh37 (hg19) VCF-style: chr14-99976900-A-C.
Other names: c.*4683T>G (NM_001144995.2).
Identifiers: ClinVar variation 402507 (VCV000402507.4), dbSNP rs776290356, ClinGen allele CA7340882.